The following is an entry in ClinVar:

NM_019842.4(KCNQ5):c.1432C>A (p.Arg478Ser)

Gene: KCNQ5 (potassium voltage-gated channel subfamily Q member 5; plus strand). Cytogenetic location: 6q13.
Variant type: single nucleotide variant.
Coding change: c.1432C>A on transcript NM_019842.4 (MANE Select); coding-DNA position 1432, C replaced by A.
Protein change: p.Arg478Ser; replaces arginine 478 with serine.
Molecular consequence: missense variant. On other transcripts: intron variant (1).
Genome position (GRCh38, 1-based): chr6:73,133,605, C>A. VCF-style: chr6-73133605-C-A. GRCh37 (hg19) VCF-style: chr6-73843328-C-A.
Other names: c.1405C>A, p.Arg469Ser (NM_001160130.2); c.1462C>A, p.Arg488Ser (NM_001160132.2); c.1489C>A, p.Arg497Ser (NM_001160133.2); c.1247+9093C>A (NM_001160134.2); short protein forms R469S, R478S, R488S, R497S.
Identifiers: ClinVar variation 3383419 (VCV003383419.2).

ClinVar aggregate classification (germline): Uncertain significance (1 of 4 stars; one submission).

gnomAD v4.1: 1 of 1,614,192 alleles (0.000062%); highest among the groups gnomAD compares: Non-Finnish European, 0.000085%; no homozygotes.

Submission:

Centre of Medical Genetics, University Hospital Muenster
Classification: Uncertain significance. Last evaluated: 2024-07-10. Review status: criteria provided, single submitter. Criteria: ACMG Guidelines, 2015. Collection method: clinical testing. Allele origin: unknown. Affected: yes. Observed: 1 variant allele, 1 heterozygote.
Comment: ACMG categories: PM2,PP3